The following is an entry in ClinVar:

NM_017780.4(CHD7):c.61_62delinsTC (p.Leu21Ser)

Gene: CHD7 (chromodomain helicase DNA binding protein 7; plus strand). Cytogenetic location: 8q12.2.
Variant type: Indel.
Coding change: c.61_62delinsTC on transcript NM_017780.4 (MANE Select); coding-DNA positions 61 to 62, CT replaced by TC.
Protein change: p.Leu21Ser; replaces leucine 21 with serine.
Molecular consequence: missense variant.
Genome position (GRCh38, 1-based): chr8:60,741,493-60,741,494, CT replaced by TC. VCF-style: chr8-60741493-CT-TC. GRCh37 (hg19) VCF-style: chr8-61654052-CT-TC.
Other names: c.61_62delinsTC, p.Leu21Ser (NM_001316690.1); c.61_62delCTinsTC, p.Leu21Ser (NM_017780.2); short protein forms L21S.
Identifiers: ClinVar variation 1810472 (VCV001810472.1), dbSNP rs2487257216, ClinGen allele CA2580078420.

ClinVar aggregate classification (germline): Uncertain significance (1 of 4 stars; one submission).

Submission:

GeneDx
Classification: Uncertain significance. Last evaluated: 2022-07-07. Review status: criteria provided, single submitter. Criteria: GeneDx Variant Classification Process June 2021. Collection method: clinical testing. Allele origin: germline. Affected: yes.
Comment: Not observed at significant frequency in large population cohorts (gnomAD); In silico analysis supports that this variant does not alter protein structure/function; Has not been previously published as pathogenic or benign to our knowledge